The following is an entry in ClinVar:

ClinVar aggregate classification (germline): Conflicting classifications of pathogenicity. Review status: criteria provided, conflicting classifications (1 of 4 stars). 2 submissions from 2 submitters: Uncertain significance (1); Likely benign (1). Last evaluated 2026-07-21.

Conditions:
NEK8-related disorder. Also called: NEK8-related condition.
Renal-hepatic-pancreatic dysplasia 2 (RHPD2). Identifiers: MedGen C3809434, MONDO:0014174, OMIM 615415.
Nephronophthisis 9 (NPHP9). Identifiers: Orphanet 655, MedGen C3151188, MONDO:0013444, OMIM 613824.
Polycystic kidney disease 8. Identifiers: MedGen C5935640, MONDO:0971178, OMIM 620903.

gnomAD v4.1: 22 of 1,614,146 alleles (0.0014%); highest among the groups gnomAD compares: Non-Finnish European, 0.0017%; no homozygotes.

Submissions (2):

PreventionGenetics, part of Exact Sciences
Classification: Likely benign for NEK8-related condition. Last evaluated: 2026-07-21. Review status: criteria provided, single submitter. Criteria: ACMG Guidelines, 2015. Collection method: clinical testing. Allele origin: germline.
Comment: This variant is classified as likely benign based on ACMG/AMP sequence variant interpretation guidelines (Richards et al. 2015 PMID: 25741868, with internal and published modifications).

Fulgent Genetics
Classification: Uncertain significance for Nephronophthisis 9; Renal-hepatic-pancreatic dysplasia 2; Polycystic kidney disease 8. Last evaluated: 2024-06-24. Review status: criteria provided, single submitter. Criteria: ACMG Guidelines, 2015. Collection method: clinical testing. Allele origin: germline.

NM_178170.3(NEK8):c.1737G>A (p.Ser579=)

Gene: NEK8 (NIMA related kinase 8; plus strand). Cytogenetic location: 17q11.2.
Variant type: single nucleotide variant.
Coding change: c.1737G>A on transcript NM_178170.3 (MANE Select); coding-DNA position 1737, G replaced by A.
Protein change: p.Ser579=; no amino-acid change (serine 579 retained).
Molecular consequence: synonymous variant.
Genome position (GRCh38, 1-based): chr17:28,741,082, G>A. VCF-style: chr17-28741082-G-A. GRCh37 (hg19) VCF-style: chr17-27068100-G-A.
Other names: c.1737G>A (NM_178170.2).
Identifiers: ClinVar variation 3581789 (VCV003581789.2).
Genomic context (GRCh38, chr17:28,741,082, plus strand): 5'-CTCACGGTCTCCTTGGTACCCTGTTGAAGCACCCCTTTCCTTCCTCTCCCCCATAGCCTC[G>A]GGTGATTGCTACACTTTTGGCAGCAATCAGCACGGACAGTTGGGCACCAATACTCGCCGA-3'
Protein context (NP_835464.1, residues 569-589): GTAHSAAVTA[Ser579=]GDCYTFGSNQ